The following is an entry in ClinVar:

ClinVar aggregate classification (germline): Uncertain significance (1 of 4 stars; one submission).

Allele frequency attached by ClinVar (database versions not stated): TOPMed below 0.00001.

Submission:

GeneDx
Classification: Uncertain significance. Last evaluated: 2023-02-15. Review status: criteria provided, single submitter. Criteria: GeneDx Variant Classification Process June 2021. Collection method: clinical testing. Allele origin: germline. Affected: yes.
Comment: Not observed at significant frequency in large population cohorts (gnomAD); In silico analysis supports that this missense variant does not alter protein structure/function; Has not been previously published as pathogenic or benign to our knowledge

NM_000297.4(PKD2):c.11C>A (p.Ser4Tyr)

Genes: PKD2 (polycystin 2, transient receptor potential cation channel; plus strand), LOC129992813 (ATAC-STARR-seq lymphoblastoid silent region 15559; plus strand). Cytogenetic location: 4q22.1.
Variant type: single nucleotide variant.
Coding change: c.11C>A on transcript NM_000297.4 (MANE Select); coding-DNA position 11, C replaced by A.
Protein change: p.Ser4Tyr; replaces serine 4 with tyrosine.
Molecular consequence: missense variant. On other transcripts: non-coding transcript variant (1).
Genome position (GRCh38, 1-based): chr4:88,007,744, C>A. VCF-style: chr4-88007744-C-A. GRCh37 (hg19) VCF-style: chr4-88928896-C-A.
Other names: short protein forms S4Y.
Identifiers: ClinVar variation 1810101 (VCV001810101.2), dbSNP rs1726221678, ClinGen allele CA357624790.